The following is an entry in ClinVar:

NM_000551.4(VHL):c.227T>A (p.Phe76Tyr)

Gene: VHL (von Hippel-Lindau tumor suppressor; plus strand). Cytogenetic location: 3p25.3.
Variant type: single nucleotide variant.
Coding change: c.227T>A on transcript NM_000551.4 (MANE Select); coding-DNA position 227, T replaced by A.
Protein change: p.Phe76Tyr; replaces phenylalanine 76 with tyrosine.
Molecular consequence: missense variant.
Genome position (GRCh38, 1-based): chr3:10,142,074, T>A. VCF-style: chr3-10142074-T-A. GRCh37 (hg19) VCF-style: chr3-10183758-T-A.
Other names: c.227T>A, p.Phe76Tyr (NM_001354723.2, NM_198156.3); short protein forms F76Y.
Identifiers: ClinVar variation 625224 (VCV000625224.5), dbSNP rs730882033, ClinGen allele CA351749231.

ClinVar aggregate classification (germline): Pathogenic/Likely pathogenic. Review status: criteria provided, multiple submitters, no conflicts (2 of 4 stars). 3 submissions from 3 submitters: Pathogenic (1); Likely pathogenic (1). 1 of the submissions does not count toward it. Last evaluated 2025-06-17.

Conditions:
Hereditary cancer-predisposing syndrome. Also called: Neoplastic Syndromes, Hereditary; Hereditary Cancer Syndrome; Hereditary neoplastic syndrome; Tumor predisposition. Identifiers: Orphanet 140162, MedGen C0027672, MeSH D009386, MONDO:0015356.
Chuvash polycythemia. Also called: POLYCYTHEMIA, VHL-DEPENDENT. Identifiers: Orphanet 238557, MedGen C1837915, MONDO:0009892, OMIM 263400.
Von Hippel-Lindau syndrome (VHLS). Also called: Von Hippel-Lindau; von Hippel–Lindau syndrome; VHL syndrome. Identifiers: Orphanet 892, MedGen C0019562, MONDO:0008667, OMIM 193300. Disease mechanism: loss of function.

Submissions (3):

Ambry Genetics
Classification: Pathogenic for Hereditary cancer-predisposing syndrome. Last evaluated: 2025-06-17. Review status: criteria provided, single submitter. Criteria: Ambry Variant Classification Scheme 2023. Collection method: clinical testing. Allele origin: germline.
Comment: The p.F76Y variant (also known as c.227T>A), located in coding exon 1 of the VHL gene, results from a T to A substitution at nucleotide position 227. The phenylalanine at codon 76 is replaced by tyrosine, an amino acid with highly similar properties. This variant has been observed in at least one individual with a personal and/or family history that is consistent with von Hippel-Lindau syndrome (Ambry internal data). Two other alterations at the same codon, p.F76I (c.226T>A) and p.F76L (c.226T>C), have been reported in multiple individuals with a personal history that is consistent with von Hippel-Lindau syndrome and have been shown to be destabilizing to the local structure based on internal structural analysis (Li C et al. Hum Mutat, 1998;Suppl 1:S31-3; Chen F et al. Hum Mutat, 1995;5:66-75; Gallou C et al. Hum Mutat, 1999;13:464-75; Zbar B et al. Hum Mutat, 1996;8:348-57; Ambry internal data). This variant was determined to be functionally deleterious in one saturation genome editing assay (Buckley M et al. Nat Genet, 2024 Jul;56:1446-1455). This amino acid position is highly conserved in available vertebrate species. In addition, this alteration is predicted to be deleterious by in silico analysis. Based on the supporting evidence, this variant is interpreted as a disease-causing mutation.

Labcorp Genetics (formerly Invitae), Labcorp
Classification: Likely pathogenic for Von Hippel-Lindau syndrome; Chuvash polycythemia. Last evaluated: 2024-08-31. Review status: criteria provided, single submitter. Criteria: Invitae Variant Classification Sherloc (09022015). Collection method: clinical testing. Allele origin: germline.
Comment: This sequence change replaces phenylalanine, which is neutral and non-polar, with tyrosine, which is neutral and polar, at codon 76 of the VHL protein (p.Phe76Tyr). This variant is not present in population databases (gnomAD no frequency). This missense change has been observed in individual(s) with von Hippel-Lindau syndrome (internal data). ClinVar contains an entry for this variant (Variation ID: 625224). Invitae Evidence Modeling of protein sequence and biophysical properties (such as structural, functional, and spatial information, amino acid conservation, physicochemical variation, residue mobility, and thermodynamic stability) indicates that this missense variant is expected to disrupt VHL protein function with a positive predictive value of 95%. This variant disrupts the p.Phe76 amino acid residue in VHL. Other variant(s) that disrupt this residue have been observed in individuals with VHL-related conditions (PMID: 9452032, 15881703; internal data), which suggests that this may be a clinically significant amino acid residue. In summary, the currently available evidence indicates that the variant is pathogenic, but additional data are needed to prove that conclusively. Therefore, this variant has been classified as Likely Pathogenic.

Genomic Diagnostic Laboratory, Division of Genomic Diagnostics, Children's Hospital of Philadelphia
Classification: Uncertain significance for von Hippel-Lindau syndrome. Last evaluated: 2018-08-01. Review status: flagged submission. Criteria: DGD Variant Analysis Guidelines. Collection method: clinical testing. Allele origin: germline. Affected: yes. Observed: 1 variant allele. Not counted in ClinVar's aggregate classification.
ClinVar note: Reason: Older claim that does not account for recent evidence

Literature cited by the submitters: PubMed 10408776 (cited by Ambry Genetics); PubMed 38969834 (cited by Ambry Genetics); PubMed 7728151 (cited by Ambry Genetics); PubMed 8956040 (cited by Ambry Genetics); PubMed 9452032 (cited by Ambry Genetics and Labcorp Genetics (formerly Invitae), Labcorp); PubMed 15881703 (cited by Labcorp Genetics (formerly Invitae), Labcorp).